The following is an entry in ClinVar:

ClinVar aggregate classification (germline): Likely benign. Review status: criteria provided, multiple submitters, no conflicts (2 of 4 stars). 5 submissions from 5 submitters: Likely benign (5). Last evaluated 2026-02-01.

Conditions:
Hereditary cancer-predisposing syndrome. Also called: Neoplastic Syndromes, Hereditary; Hereditary neoplastic syndrome; Tumor predisposition; Hereditary Cancer Syndrome. Identifiers: Orphanet 140162, MedGen C0027672, MeSH D009386, MONDO:0015356.

Submissions (5):

CeGaT Center for Human Genetics Tuebingen
Classification: Likely benign. Last evaluated: 2026-02-01. Review status: criteria provided, single submitter. Criteria: CeGaT Center For Human Genetics Tuebingen Variant Classification Criteria Version 2. Collection method: clinical testing. Allele origin: germline. Affected: yes. Observed: 1 variant allele.
Comment: VHL: PM2:Supporting, BP4, BP7

Center for Genomic Medicine, Rigshospitalet, Copenhagen University Hospital
Classification: Likely benign. Last evaluated: 2025-03-04. Review status: criteria provided, single submitter. Criteria: ACMG Guidelines, 2015. Collection method: clinical testing. Allele origin: germline.

Laboratory of Genetics, Children's Clinical University Hospital Latvia
Classification: Likely benign. Last evaluated: 2025-02-16. Review status: criteria provided, single submitter. Criteria: ACMG Guidelines, 2015. Collection method: clinical testing. Allele origin: germline. Affected: yes.

Ambry Genetics
Classification: Likely benign for Hereditary cancer-predisposing syndrome. Last evaluated: 2024-04-18. Review status: criteria provided, single submitter. Criteria: Ambry Variant Classification Scheme 2023. Collection method: clinical testing. Allele origin: germline.

Sema4
Classification: Likely benign for Hereditary cancer-predisposing syndrome. Last evaluated: 2021-04-19. Review status: criteria provided, single submitter. Criteria: Sema4 Curation Guidelines. Collection method: curation. Allele origin: germline.

NM_000551.4(VHL):c.132C>G (p.Gly44=)

Gene: VHL (von Hippel-Lindau tumor suppressor; plus strand). Cytogenetic location: 3p25.3.
Variant type: single nucleotide variant.
Coding change: c.132C>G on transcript NM_000551.4 (MANE Select); coding-DNA position 132, C replaced by G.
Protein change: p.Gly44=; no amino-acid change (glycine 44 retained).
Molecular consequence: synonymous variant. On other transcripts: non-coding transcript variant (1).
Genome position (GRCh38, 1-based): chr3:10,141,979, C>G. VCF-style: chr3-10141979-C-G. GRCh37 (hg19) VCF-style: chr3-10183663-C-G.
Other names: c.132C>G, p.Gly44= (NM_001354723.2, NM_198156.3).
Identifiers: ClinVar variation 1692516 (VCV001692516.9), dbSNP rs1696123413, ClinGen allele CA432536346.
Genomic context (GRCh38, chr3:10,141,979, plus strand): 5'-CCCTGAAGAAGACGGCGGGGAGGAGTCGGGCGCCGAGGAGTCCGGCCCGGAAGAGTCCGG[C>G]CCGGAGGAACTGGGCGCCGAGGAGGAGATGGAGGCCGGGCGGCCGCGGCCCGTGCTGCGC-3'
Protein context (NP_000542.1, residues 34-54): GAEESGPEES[Gly44=]PEELGAEEEM